The following is an entry in ClinVar:

ClinVar aggregate classification (germline): Likely pathogenic (1 of 4 stars; one submission).

Submission:

GeneDx
Classification: Likely pathogenic. Last evaluated: 2017-10-10. Review status: criteria provided, single submitter. Criteria: GeneDx Variant Classification (06012015). Collection method: clinical testing. Allele origin: germline. Affected: yes.
Comment: The N194X nonsense variant in the EXT1 gene is predicted to cause loss of normal protein function either through protein truncation or nonsense-mediated mRNA decay. The N194X variant is not observed in large population cohorts (Lek et al., 2016). Although this likely pathogenic variant has not been reported previously to our knowledge, its presence is consistent with the diagnosis of hereditary multiple exostoses.

NM_000127.3(EXT1):c.579dup (p.Asn194Ter)

Gene: EXT1 (exostosin glycosyltransferase 1; minus strand). Cytogenetic location: 8q24.11.
Variant type: Duplication.
Coding change: c.579dup on transcript NM_000127.3 (MANE Select); coding-DNA position 579, one base duplicated (T; older notation c.579dupT).
Protein change: p.Asn194Ter; replaces asparagine 194 with a stop codon.
Molecular consequence: nonsense.
Genome position (GRCh38, 1-based): chr8:118,110,468, A duplicated on the plus strand (T on the coding strand, the reverse complement: EXT1 is on the minus strand); the first of 5 consecutive A bases (chr8:118,110,468-118,110,472); duplicating any one gives the same sequence. VCF-style (leftmost placement, unchanged base first): chr8-118110467-T-TA. GRCh37 (hg19) VCF-style: chr8-119122706-T-TA.
Other names: c.579dupT (NM_000127.2); short protein forms N194*.
Identifiers: ClinVar variation 452819 (VCV000452819.1), dbSNP rs1554601519, ClinGen allele CA658657824.